The following is an entry in ClinVar:

ClinVar aggregate classification (germline): Likely benign (1 of 4 stars; one submission).

Conditions:
CACNB2-related disorder. Also called: CACNB2-related condition.

gnomAD v4.1: 6 of 1,594,488 alleles (0.00038%); highest among the groups gnomAD compares: African/African-American, 0.0013%; no homozygotes.

Submission:

PreventionGenetics, part of Exact Sciences
Classification: Likely benign for CACNB2-related condition. Last evaluated: 2026-07-21. Review status: criteria provided, single submitter. Criteria: ACMG Guidelines, 2015. Collection method: clinical testing. Allele origin: germline.
Comment: This variant is classified as likely benign based on ACMG/AMP sequence variant interpretation guidelines (Richards et al. 2015 PMID: 25741868, with internal and published modifications).

NM_201596.3(CACNB2):c.120+6G>C

Gene: CACNB2 (calcium voltage-gated channel auxiliary subunit beta 2; plus strand). Cytogenetic location: 10p12.33.
Variant type: single nucleotide variant.
Coding change: c.120+6G>C on transcript NM_201596.3 (MANE Select); 6 bases into the intron after coding-DNA position 120, G replaced by C.
Molecular consequence: intron variant. On other transcripts: 5 prime UTR variant (3).
Genome position (GRCh38, 1-based): chr10:18,140,862, G>C. VCF-style: chr10-18140862-G-C. GRCh37 (hg19) VCF-style: chr10-18429791-G-C.
Other names: c.-318G>C (NM_001167945.2, NM_201571.4, NM_201572.4); c.120+6G>C (NM_201593.3, NM_201597.3).
Identifiers: ClinVar variation 4984013 (VCV004984013.1).
Genomic context (GRCh38, chr10:18,140,862, plus strand): 5'-GATGGAACTGCTAGAGAACGTGGCTCCCGCGGGGGCGCTCGGAGCCGCCGCACAGGTAGC[G>C]AGAGCGCGGCGCCTTCTCCTTCCTTTGTGAGCCGCCGGGCAGGGCACCGACCTCGGGTTC-3'